The following is an entry in ClinVar:

ClinVar aggregate classification (germline): Uncertain significance (1 of 4 stars; one submission).

Conditions:
Saldino-Mainzer syndrome (SRTD9). Also called: Renal dysplasia, retinal pigmentary dystrophy, cerebellar ataxia and skeletal dysplasia; CONORENAL SYNDROME; SHORT-RIB THORACIC DYSPLASIA 9 WITHOUT POLYDACTYLY; short-rib thoracic dysplasia 9 with or without polydactyly. Identifiers: Orphanet 140969, MedGen C1849437, MONDO:0009964, OMIM 266920.

Submission:

Labcorp Genetics (formerly Invitae), Labcorp
Classification: Uncertain significance for Saldino-Mainzer syndrome. Last evaluated: 2022-02-05. Review status: criteria provided, single submitter. Criteria: Invitae Variant Classification Sherloc (09022015). Collection method: clinical testing. Allele origin: germline.
Comment: In summary, the available evidence is currently insufficient to determine the role of this variant in disease. Therefore, it has been classified as a Variant of Uncertain Significance. Algorithms developed to predict the effect of missense changes on protein structure and function (SIFT, PolyPhen-2, Align-GVGD) all suggest that this variant is likely to be tolerated. This variant has not been reported in the literature in individuals affected with IFT140-related conditions. This variant is not present in population databases (gnomAD no frequency). This sequence change replaces methionine, which is neutral and non-polar, with threonine, which is neutral and polar, at codon 1411 of the IFT140 protein (p.Met1411Thr).

NM_014714.4(IFT140):c.4232T>C (p.Met1411Thr)

Gene: IFT140 (intraflagellar transport 140; minus strand). Cytogenetic location: 16p13.3.
Variant type: single nucleotide variant.
Coding change: c.4232T>C on transcript NM_014714.4 (MANE Select); coding-DNA position 4232, T replaced by C.
Protein change: p.Met1411Thr; replaces methionine 1411 with threonine.
Molecular consequence: missense variant.
Genome position (GRCh38, 1-based): chr16:1,511,101, A>G on the plus strand (T>C on the coding strand, the complement: IFT140 is on the minus strand). VCF-style: chr16-1511101-A-G. GRCh37 (hg19) VCF-style: chr16-1561102-A-G.
Other names: short protein forms M1411T.
Identifiers: ClinVar variation 1431973 (VCV001431973.6), dbSNP rs752233693, ClinGen allele CA276668314.